The following is an entry in ClinVar:

NM_001035.3(RYR2):c.10591T>C (p.Tyr3531His)

Gene: RYR2 (ryanodine receptor 2; plus strand). Cytogenetic location: 1q43.
Variant type: single nucleotide variant.
Coding change: c.10591T>C on transcript NM_001035.3 (MANE Select); coding-DNA position 10591, T replaced by C.
Protein change: p.Tyr3531His; replaces tyrosine 3531 with histidine.
Molecular consequence: missense variant.
Genome position (GRCh38, 1-based): chr1:237,723,164, T>C. VCF-style: chr1-237723164-T-C. GRCh37 (hg19) VCF-style: chr1-237886464-T-C.
Other names: short protein forms Y3531H.
Identifiers: ClinVar variation 845075 (VCV000845075.11), dbSNP rs1689893434, ClinGen allele CA345416046.

ClinVar aggregate classification (germline): Uncertain significance (1 of 4 stars; one submission).

Conditions:
Catecholaminergic polymorphic ventricular tachycardia 1. Also called: VENTRICULAR TACHYCARDIA, CATECHOLAMINERGIC POLYMORPHIC, 1, WITH OR WITHOUT ATRIAL DYSFUNCTION AND/OR DILATED CARDIOMYOPATHY; VENTRICULAR TACHYCARDIA, STRESS-INDUCED POLYMORPHIC 1; RYR2-Related Catecholaminergic Polymorphic Ventricular Tachycardia. Identifiers: Orphanet 3286, MedGen C1631597, MONDO:0011484, OMIM 604772.

Submission:

Labcorp Genetics (formerly Invitae), Labcorp
Classification: Uncertain significance for Catecholaminergic polymorphic ventricular tachycardia 1. Last evaluated: 2019-04-20. Review status: criteria provided, single submitter. Criteria: Invitae Variant Classification Sherloc (09022015). Collection method: clinical testing. Allele origin: germline.
Comment: This sequence change replaces tyrosine with histidine at codon 3531 of the RYR2 protein (p.Tyr3531His). The tyrosine residue is highly conserved and there is a moderate physicochemical difference between tyrosine and histidine. This variant is not present in population databases (ExAC no frequency). This variant has not been reported in the literature in individuals with RYR2-related conditions. Algorithms developed to predict the effect of missense changes on protein structure and function are either unavailable or do not agree on the potential impact of this missense change (SIFT: "Deleterious"; PolyPhen-2: "Benign"; Align-GVGD: "Class C65"). In summary, the available evidence is currently insufficient to determine the role of this variant in disease. Therefore, it has been classified as a Variant of Uncertain Significance.